The following is an entry in ClinVar:

NM_000238.4(KCNH2):c.225G>A (p.Gln75=)

Gene: KCNH2 (potassium voltage-gated channel subfamily H member 2; minus strand). Cytogenetic location: 7q36.1.
Variant type: single nucleotide variant.
Coding change: c.225G>A on transcript NM_000238.4 (MANE Select); coding-DNA position 225, G replaced by A.
Protein change: p.Gln75=; no amino-acid change (glutamine 75 retained).
Molecular consequence: synonymous variant. On other transcripts: non-coding transcript variant (1).
Genome position (GRCh38, 1-based): chr7:150,974,793, C>T on the plus strand (G>A on the coding strand, the complement: KCNH2 is on the minus strand). VCF-style: chr7-150974793-C-T. GRCh37 (hg19) VCF-style: chr7-150671881-C-T.
Other names: c.48G>A, p.Gln16= (NM_001406755.1); c.225G>A, p.Gln75= (NM_172056.3).
Identifiers: ClinVar variation 2165745 (VCV002165745.8), dbSNP rs1801933890, ClinGen allele CA458871875.

ClinVar aggregate classification (germline): Conflicting classifications of pathogenicity. Review status: criteria provided, conflicting classifications (1 of 4 stars). 4 submissions from 4 submitters: Uncertain significance (2); Likely benign (2). Last evaluated 2023-12-15.

Conditions:
Cardiovascular phenotype. Identifiers: MedGen CN230736.
Cardiac arrhythmia. Also called: Arrhythmia; Cardiac rhythm disease. Identifiers: MedGen C0003811, MONDO:0007263, HP:0011675.
Long QT syndrome (LQTS). Identifiers: MedGen C0023976, MeSH D008133, MONDO:0002442. Disease mechanism: loss of function. Inheritance: Various modes of inheritance.

Allele frequency attached by ClinVar (database versions not stated): gnomAD exomes 0.00001.
gnomAD v4.1: 11 of 1,605,068 alleles (0.00069%); highest among the groups gnomAD compares: Non-Finnish European, 0.00085%; no homozygotes.

Submissions (4):

Ambry Genetics
Classification: Likely benign for Cardiovascular phenotype. Last evaluated: 2023-12-15. Review status: criteria provided, single submitter. Criteria: Ambry Variant Classification Scheme 2023. Collection method: clinical testing. Allele origin: germline.

All of Us Research Program, National Institutes of Health
Classification: Uncertain significance for Long QT syndrome. Last evaluated: 2023-05-04. Review status: criteria provided, single submitter. Criteria: ACMG Guidelines, 2015. Collection method: clinical testing. Allele origin: germline. Inheritance: Autosomal dominant inheritance. Observed: 1 variant allele, 1 heterozygote.
Comment: This variant is located in the KCNH2 protein. To our knowledge, functional studies have not been reported for this variant. This variant has not been reported in individuals affected with KCNH2-related disorders in the literature. This variant has not been identified in the general population by the Genome Aggregation Database (gnomAD). The available evidence is insufficient to determine the role of this variant in disease conclusively. Therefore, this variant is classified as a Variant of Uncertain Significance.

This study involves interpretation of variants in research participants for the purpose of population health screening. Participant phenotype was not available at the time of variant classification. Additional details can be found in publication PMID: 35346344, PMCID: PMC8962531

Color Diagnostics, LLC DBA Color Health
Classification: Uncertain significance for Cardiac arrhythmia. Last evaluated: 2022-11-06. Review status: criteria provided, single submitter. Criteria: ACMG Guidelines, 2015. Collection method: clinical testing. Allele origin: germline.
Comment: This variant is located in the KCNH2 protein. To our knowledge, functional studies have not been reported for this variant. This variant has not been reported in individuals affected with KCNH2-related disorders in the literature. This variant has not been identified in the general population by the Genome Aggregation Database (gnomAD). The available evidence is insufficient to determine the role of this variant in disease conclusively. Therefore, this variant is classified as a Variant of Uncertain Significance.

Labcorp Genetics (formerly Invitae), Labcorp
Classification: Likely benign for Long QT syndrome. Last evaluated: 2021-12-29. Review status: criteria provided, single submitter. Criteria: Invitae Variant Classification Sherloc (09022015). Collection method: clinical testing. Allele origin: germline.